The following is an entry in ClinVar:

NM_213649.2(SFXN4):c.650G>A (p.Arg217Gln)

Gene: SFXN4 (sideroflexin 4; minus strand). Cytogenetic location: 10q26.11.
Variant type: single nucleotide variant.
Coding change: c.650G>A on transcript NM_213649.2 (MANE Select); coding-DNA position 650, G replaced by A.
Protein change: p.Arg217Gln; replaces arginine 217 with glutamine.
Molecular consequence: missense variant. On other transcripts: non-coding transcript variant (1).
Genome position (GRCh38, 1-based): chr10:119,155,144, C>T on the plus strand (G>A on the coding strand, the complement: SFXN4 is on the minus strand). VCF-style: chr10-119155144-C-T. GRCh37 (hg19) VCF-style: chr10-120914656-C-T.
Other names: c.650G>A, p.Arg217Gln (NM_213650.1); c.650G>A (NM_213649.1); short protein forms R217Q.
Identifiers: ClinVar variation 2152429 (VCV002152429.6), dbSNP rs200465740, ClinGen allele CA5714439.

ClinVar aggregate classification (germline): Conflicting classifications of pathogenicity. Review status: criteria provided, conflicting classifications (1 of 4 stars). 3 submissions from 3 submitters: Uncertain significance (2); Likely benign (1). Last evaluated 2024-10-23.

Conditions:
Inborn genetic diseases. Identifiers: MedGen C0950123, MeSH D030342.

Allele frequency attached by ClinVar (database versions not stated): gnomAD 0.00006; TOPMed 0.00006; ExAC 0.00009; gnomAD exomes 0.00013; 1000 Genomes Project 0.00020; 1000 Genomes Project 30x 0.00031.
gnomAD v4.1: 197 of 1,614,068 alleles (0.012%); highest among the groups gnomAD compares: Non-Finnish European, 0.016%; no homozygotes.

Submissions (3):

Labcorp Genetics (formerly Invitae), Labcorp
Classification: Uncertain significance. Last evaluated: 2024-10-23. Review status: criteria provided, single submitter. Criteria: Invitae Variant Classification Sherloc (09022015). Collection method: clinical testing. Allele origin: germline.
Comment: This sequence change replaces arginine, which is basic and polar, with glutamine, which is neutral and polar, at codon 217 of the SFXN4 protein (p.Arg217Gln). This variant is present in population databases (rs200465740, gnomAD 0.02%). This variant has not been reported in the literature in individuals affected with SFXN4-related conditions. ClinVar contains an entry for this variant (Variation ID: 2152429). An algorithm developed to predict the effect of missense changes on protein structure and function (PolyPhen-2) suggests that this variant is likely to be disruptive. In summary, the available evidence is currently insufficient to determine the role of this variant in disease. Therefore, it has been classified as a Variant of Uncertain Significance.

GeneDx
Classification: Uncertain significance. Last evaluated: 2024-08-08. Review status: criteria provided, single submitter. Criteria: GeneDx Variant Classification Process June 2021. Collection method: clinical testing. Allele origin: germline. Affected: yes.
Comment: In silico analysis supports that this missense variant has a deleterious effect on protein structure/function; Has not been previously published as pathogenic or benign to our knowledge

Ambry Genetics
Classification: Likely benign for Inborn genetic diseases. Last evaluated: 2022-01-10. Review status: criteria provided, single submitter. Criteria: Ambry Variant Classification Scheme 2023. Collection method: clinical testing. Allele origin: germline.